The following is an entry in ClinVar:

NM_005051.3(QARS1):c.1345G>T (p.Glu449Ter)

Gene: QARS1 (glutaminyl-tRNA synthetase 1; minus strand). Cytogenetic location: 3p21.31.
Variant type: single nucleotide variant.
Coding change: c.1345G>T on transcript NM_005051.3 (MANE Select); coding-DNA position 1345, G replaced by T.
Protein change: p.Glu449Ter; replaces glutamic acid 449 with a stop codon.
Molecular consequence: nonsense. On other transcripts: non-coding transcript variant (1).
Genome position (GRCh38, 1-based): chr3:49,099,804, C>A on the plus strand (G>T on the coding strand, the complement: QARS1 is on the minus strand). VCF-style: chr3-49099804-C-A. GRCh37 (hg19) VCF-style: chr3-49137237-C-A.
Other names: c.1312G>T, p.Glu438Ter (NM_001272073.2); short protein forms E438*, E449*.
Identifiers: ClinVar variation 1365890 (VCV001365890.6), dbSNP rs957599864, ClinGen allele CA352707674.

ClinVar aggregate classification (germline): Pathogenic (1 of 4 stars; one submission).

Conditions:
Diffuse cerebral and cerebellar atrophy - intractable seizures - progressive microcephaly syndrome. Also called: Microcephaly, progressive, with seizures and cerebral and cerebellar atrophy. Identifiers: Orphanet 404437, MedGen C4014239, MONDO:0014335, OMIM 615760.

Submission:

Labcorp Genetics (formerly Invitae), Labcorp
Classification: Pathogenic for Diffuse cerebral and cerebellar atrophy - intractable seizures - progressive microcephaly syndrome. Last evaluated: 2024-12-08. Review status: criteria provided, single submitter. Criteria: Invitae Variant Classification Sherloc (09022015). Collection method: clinical testing. Allele origin: germline.
Comment: This sequence change creates a premature translational stop signal (p.Glu449*) in the QARS gene. It is expected to result in an absent or disrupted protein product. Loss-of-function variants in QARS are known to be pathogenic (PMID: 24656866, 25471517). This variant is not present in population databases (gnomAD no frequency). This variant has not been reported in the literature in individuals affected with QARS-related conditions. ClinVar contains an entry for this variant (Variation ID: 1365890). Algorithms developed to predict the effect of sequence changes on RNA splicing suggest that this variant may disrupt the consensus splice site. For these reasons, this variant has been classified as Pathogenic.

Literature cited by the submitters: PubMed 24656866; PubMed 25471517.